The following is an entry in ClinVar:

NM_177550.5(SLC13A5):c.11C>T (p.Ala4Val)

Gene: SLC13A5 (solute carrier family 13 member 5; minus strand). Cytogenetic location: 17p13.1.
Variant type: single nucleotide variant.
Coding change: c.11C>T on transcript NM_177550.5 (MANE Select); coding-DNA position 11, C replaced by T.
Protein change: p.Ala4Val; replaces alanine 4 with valine.
Molecular consequence: missense variant.
Genome position (GRCh38, 1-based): chr17:6,713,323, G>A on the plus strand (C>T on the coding strand, the complement: SLC13A5 is on the minus strand). VCF-style: chr17-6713323-G-A. GRCh37 (hg19) VCF-style: chr17-6616642-G-A.
Other names: c.11C>T, p.Ala4Val (NM_001143838.3, NM_001284509.2, NM_001284510.2); short protein forms A4V.
Identifiers: ClinVar variation 1063490 (VCV001063490.6), dbSNP rs1356594210, ClinGen allele CA397754099.

ClinVar aggregate classification (germline): Uncertain significance (1 of 4 stars; one submission).

Conditions:
Developmental and epileptic encephalopathy, 25 (DEE25). Also called: Epileptic encephalopathy, early infantile, 25; Developmental and epileptic encephalopathy 25, with amelogenesis imperfecta; Epileptic encephalopathy, early infantile, 25, with amelogenesis imperfecta. Identifiers: Orphanet 442835, MedGen C4014621, MONDO:0014392, OMIM 615905.

Allele frequency attached by ClinVar (database versions not stated): TOPMed below 0.00001.

Submission:

Labcorp Genetics (formerly Invitae), Labcorp
Classification: Uncertain significance for Developmental and epileptic encephalopathy, 25. Last evaluated: 2022-02-10. Review status: criteria provided, single submitter. Criteria: Invitae Variant Classification Sherloc (09022015). Collection method: clinical testing. Allele origin: germline.
Comment: This sequence change replaces alanine, which is neutral and non-polar, with valine, which is neutral and non-polar, at codon 4 of the SLC13A5 protein (p.Ala4Val). This variant is not present in population databases (gnomAD no frequency). This variant has not been reported in the literature in individuals affected with SLC13A5-related conditions. ClinVar contains an entry for this variant (Variation ID: 1063490). Algorithms developed to predict the effect of missense changes on protein structure and function output the following: SIFT: "Tolerated"; PolyPhen-2: "Benign"; Align-GVGD: "Class C0". The valine amino acid residue is found in multiple mammalian species, which suggests that this missense change does not adversely affect protein function. In summary, the available evidence is currently insufficient to determine the role of this variant in disease. Therefore, it has been classified as a Variant of Uncertain Significance.